The following is an entry in ClinVar:

ClinVar aggregate classification (germline): Uncertain significance (1 of 4 stars; one submission).

Conditions:
RASopathy. Also called: rasopathies; Noonan spectrum disorder. Identifiers: Orphanet 536391, MedGen C5555857, MONDO:0021060.

Submission:

Labcorp Genetics (formerly Invitae), Labcorp
Classification: Uncertain significance for RASopathy. Last evaluated: 2020-11-15. Review status: criteria provided, single submitter. Criteria: Invitae Variant Classification Sherloc (09022015). Collection method: clinical testing. Allele origin: germline.
Comment: This sequence change replaces aspartic acid with asparagine at codon 186 of the RAF1 protein (p.Asp186Asn). The aspartic acid residue is highly conserved and there is a small physicochemical difference between aspartic acid and asparagine. This variant is not present in population databases (ExAC no frequency). This variant has not been reported in the literature in individuals with RAF1-related conditions. Algorithms developed to predict the effect of missense changes on protein structure and function (SIFT, PolyPhen-2, Align-GVGD) all suggest that this variant is likely to be tolerated, but these predictions have not been confirmed by published functional studies and their clinical significance is uncertain. In summary, the available evidence is currently insufficient to determine the role of this variant in disease. Therefore, it has been classified as a Variant of Uncertain Significance.

NM_002880.4(RAF1):c.556G>A (p.Asp186Asn)

Gene: RAF1 (Raf-1 proto-oncogene, serine/threonine kinase; minus strand). Cytogenetic location: 3p25.2.
Variant type: single nucleotide variant.
Coding change: c.556G>A on transcript NM_002880.4 (MANE Select); coding-DNA position 556, G replaced by A.
Protein change: p.Asp186Asn; replaces aspartic acid 186 with asparagine.
Molecular consequence: missense variant. On other transcripts: non-coding transcript variant (3).
Genome position (GRCh38, 1-based): chr3:12,608,791, C>T on the plus strand (G>A on the coding strand, the complement: RAF1 is on the minus strand). VCF-style: chr3-12608791-C-T. GRCh37 (hg19) VCF-style: chr3-12650290-C-T.
Other names: c.556G>A, p.Asp186Asn (NM_001354689.3, NM_001354690.3, NM_001354693.3); c.313G>A, p.Asp105Asn (NM_001354691.3, NM_001354692.3, NM_001354694.3 and 1 more transcripts); short protein forms D105N, D186N.
Identifiers: ClinVar variation 1479850 (VCV001479850.8), dbSNP rs2125416501, ClinGen allele CA351516487.
Genomic context (GRCh38, chr3:12,608,791, plus strand): 5'-CCCTATCTTCCTTGGATAAAAGAACAATGCCTTACAAGAGTTGTCTGATGTTACTCCAGT[C>T]CACACACATAGTAGGTACTTTGGTGCTACAGTGCTCATGAAATTTGTAGCCACAAGTCTG-3'
Protein context (NP_002871.1, residues 176-196): CSTKVPTMCV[Asp186Asn]WSNIRQLLLF